The following is an entry in ClinVar:

NM_000276.4(OCRL):c.238_238+1del

Gene: OCRL (OCRL inositol polyphosphate-5-phosphatase; plus strand). Cytogenetic location: Xq26.1.
Variant type: Deletion.
Coding change: c.238_238+1del on transcript NM_000276.4 (MANE Select); coding-DNA position 238 through the canonical splice donor site of the intron after coding-DNA position 238, 2 bases deleted (AG; older notation c.238_238+1delAG).
Molecular consequence: splice donor variant.
Genome position (GRCh38, 1-based): chrX:129,548,601-129,548,602, AG deleted. VCF-style (leftmost placement, unchanged base first): chrX-129548600-CAG-C. GRCh37 (hg19) VCF-style: chrX-128682577-CAG-C.
Other names: c.241_241+1del (NM_001318784.2); c.238_238+1del (NM_001587.4).
Identifiers: ClinVar variation 2719316 (VCV002719316.3), dbSNP rs2521855742, ClinGen allele CA2694652631.

ClinVar aggregate classification (germline): Likely pathogenic (1 of 4 stars; one submission).

Conditions:
Lowe syndrome (OCRL). Also called: LOWE OCULOCEREBRORENAL SYNDROME; PHOSPHATIDYLINOSITOL 4,5-BISPHOSPHATE 5-PHOSPHATASE DEFICIENCY; Oculocerebrorenal Syndrome. Identifiers: Orphanet 534, MedGen C0028860, MONDO:0010645, OMIM 309000.

Allele frequency attached by ClinVar (database versions not stated): gnomAD exomes below 0.00001.

Submission:

Labcorp Genetics (formerly Invitae), Labcorp
Classification: Likely pathogenic for Lowe syndrome. Last evaluated: 2023-10-20. Review status: criteria provided, single submitter. Criteria: Invitae Variant Classification Sherloc (09022015). Collection method: clinical testing. Allele origin: germline.
Comment: This variant results in the deletion of part of exon 4 (c.238_238+1del) of the OCRL gene. It is expected to disrupt RNA splicing. Variants that disrupt the donor or acceptor splice site typically lead to a loss of protein function (PMID: 16199547), and loss-of-function variants in OCRL are known to be pathogenic (PMID: 19390221, 21031565, 22381590). This variant is not present in population databases (gnomAD no frequency). This variant has not been reported in the literature in individuals affected with OCRL-related conditions. Algorithms developed to predict the effect of sequence changes on RNA splicing suggest that this variant may disrupt the consensus splice site. In summary, the currently available evidence indicates that the variant is pathogenic, but additional data are needed to prove that conclusively. Therefore, this variant has been classified as Likely Pathogenic.

Literature cited by the submitters: PubMed 16199547; PubMed 19390221; PubMed 21031565; PubMed 22381590.